The following is an entry in ClinVar:

ClinVar aggregate classification (germline): Uncertain significance (1 of 4 stars; one submission).

Submission:

GeneDx
Classification: Uncertain significance. Last evaluated: 2024-05-20. Review status: criteria provided, single submitter. Criteria: GeneDx Variant Classification Process June 2021. Collection method: clinical testing. Allele origin: germline. Affected: yes.
Comment: Not observed at significant frequency in large population cohorts (gnomAD); In silico analysis indicates that this variant does not alter splicing; Has not been previously published as pathogenic or benign to our knowledge

NM_002397.5(MEF2C):c.675G>A (p.Leu225=)

Gene: MEF2C (myocyte enhancer factor 2C; minus strand). Cytogenetic location: 5q14.3.
Variant type: single nucleotide variant.
Coding change: c.675G>A on transcript NM_002397.5 (MANE Select); coding-DNA position 675, G replaced by A.
Protein change: p.Leu225=; no amino-acid change (leucine 225 retained).
Molecular consequence: synonymous variant.
Genome position (GRCh38, 1-based): chr5:88,731,864, C>T on the plus strand (G>A on the coding strand, the complement: MEF2C is on the minus strand). VCF-style: chr5-88731864-C-T. GRCh37 (hg19) VCF-style: chr5-88027681-C-T.
Other names: c.669G>A, p.Leu223= (NM_001131005.2, NM_001364343.2, NM_001364352.2); c.729G>A, p.Leu243= (NM_001193347.1, NM_001364338.2); c.531G>A, p.Leu177= (NM_001193348.1, NM_001193349.3, NM_001364332.2 and 3 more transcripts); c.675G>A, p.Leu225= (NM_001193350.2, NM_001308002.3, NM_001363581.2 and 18 more transcripts); c.297G>A, p.Leu99= (NM_001364353.2, NM_001364356.2); c.249G>A, p.Leu83= (NM_001364357.2).
Identifiers: ClinVar variation 3381586 (VCV003381586.1).